The following is an entry in ClinVar:

NM_001103.4(ACTN2):c.1974G>A (p.Glu658=)

Gene: ACTN2 (actinin alpha 2; plus strand). Cytogenetic location: 1q43.
Variant type: single nucleotide variant.
Coding change: c.1974G>A on transcript NM_001103.4 (MANE Select); coding-DNA position 1974, G replaced by A.
Protein change: p.Glu658=; no amino-acid change (glutamic acid 658 retained).
Molecular consequence: synonymous variant. On other transcripts: non-coding transcript variant (1).
Genome position (GRCh38, 1-based): chr1:236,754,081, G>A. VCF-style: chr1-236754081-G-A. GRCh37 (hg19) VCF-style: chr1-236917381-G-A.
Other names: c.1974G>A, p.Glu658= (NM_001278343.2); c.1350G>A, p.Glu450= (NM_001278344.2); c.1224G>A, p.Glu408= (NM_001412150.1).
Identifiers: ClinVar variation 2947226 (VCV002947226.3), dbSNP rs2527644594, ClinGen allele CA423810086.

ClinVar aggregate classification (germline): Uncertain significance (1 of 4 stars; one submission).

Conditions:
Primary familial hypertrophic cardiomyopathy (HCM). Identifiers: Orphanet 99739, MedGen C0949658, MeSH D024741, MONDO:0024573. Inheritance: Various modes of inheritance.
Dilated cardiomyopathy 1AA (CMD1AA). Also called: CARDIOMYOPATHY, DILATED, 1AA, WITH OR WITHOUT LEFT VENTRICULAR NONCOMPACTION; CARDIOMYOPATHY, FAMILIAL HYPERTROPHIC, 23, WITH OR WITHOUT LEFT VENTRICULAR NONCOMPACTION; Cardiomyopathy, dilated, 1AA, with or without LVNC. Identifiers: Orphanet 154, MedGen C2677338, MONDO:0012808, OMIM 612158.

Submission:

Labcorp Genetics (formerly Invitae), Labcorp
Classification: Uncertain significance for Primary familial hypertrophic cardiomyopathy; Dilated cardiomyopathy 1AA. Last evaluated: 2023-09-06. Review status: criteria provided, single submitter. Criteria: Invitae Variant Classification Sherloc (09022015). Collection method: clinical testing. Allele origin: germline.
Comment: In summary, the available evidence is currently insufficient to determine the role of this variant in disease. Therefore, it has been classified as a Variant of Uncertain Significance. Variants that disrupt the consensus splice site are a relatively common cause of aberrant splicing (PMID: 17576681, 9536098). Algorithms developed to predict the effect of sequence changes on RNA splicing suggest that this variant may create or strengthen a splice site. This variant has not been reported in the literature in individuals affected with ACTN2-related conditions. This variant is not present in population databases (gnomAD no frequency). This sequence change affects codon 658 of the ACTN2 mRNA. It is a 'silent' change, meaning that it does not change the encoded amino acid sequence of the ACTN2 protein. This variant also falls at the last nucleotide of exon 16, which is part of the consensus splice site for this exon.

Literature cited by the submitters: PubMed 17576681; PubMed 9536098.